The following is an entry in ClinVar:

NM_000051.4(ATM):c.1417G>C (p.Glu473Gln)

Gene: ATM (ATM serine/threonine kinase; plus strand). Cytogenetic location: 11q22.3.
Variant type: single nucleotide variant.
Coding change: c.1417G>C on transcript NM_000051.4 (MANE Select); coding-DNA position 1417, G replaced by C.
Protein change: p.Glu473Gln; replaces glutamic acid 473 with glutamine.
Molecular consequence: missense variant.
Genome position (GRCh38, 1-based): chr11:108,250,882, G>C. VCF-style: chr11-108250882-G-C. GRCh37 (hg19) VCF-style: chr11-108121609-G-C.
Other names: c.1417G>C, p.Glu473Gln (NM_001351834.2); short protein forms E473Q.
Identifiers: ClinVar variation 2859296 (VCV002859296.3), dbSNP rs1565382834, ClinGen allele CA382533988.

ClinVar aggregate classification (germline): Uncertain significance (1 of 4 stars; one submission).

Conditions:
Ataxia-telangiectasia syndrome (AT). Also called: AT, COMPLEMENTATION GROUP C; Ataxia telangiectasia (A-T); ATAXIA-TELANGIECTASIA, COMPLEMENTATION GROUP A; ATAXIA-TELANGIECTASIA, FRESNO VARIANT; Ataxia-telangiectasia, complementation group D; Ataxia-telangiectasia, complementation group E. Identifiers: Orphanet 100, MedGen C0004135, MONDO:0008840, OMIM 208900.

Submission:

Labcorp Genetics (formerly Invitae), Labcorp
Classification: Uncertain significance for Ataxia-telangiectasia syndrome. Last evaluated: 2023-04-26. Review status: criteria provided, single submitter. Criteria: Invitae Variant Classification Sherloc (09022015). Collection method: clinical testing. Allele origin: germline.
Comment: In summary, the available evidence is currently insufficient to determine the role of this variant in disease. Therefore, it has been classified as a Variant of Uncertain Significance. An algorithm developed to predict the effect of missense changes on protein structure and function (PolyPhen-2) suggests that this variant is likely to be tolerated. This variant has not been reported in the literature in individuals affected with ATM-related conditions. This variant is not present in population databases (gnomAD no frequency). This sequence change replaces glutamic acid, which is acidic and polar, with glutamine, which is neutral and polar, at codon 473 of the ATM protein (p.Glu473Gln).